The following is an entry in ClinVar:

NM_005751.5(AKAP9):c.6298T>A (p.Phe2100Ile)

Gene: AKAP9 (A-kinase anchoring protein 9; plus strand). Cytogenetic location: 7q21.2.
Variant type: single nucleotide variant.
Coding change: c.6298T>A on transcript NM_005751.5 (MANE Select); coding-DNA position 6298, T replaced by A.
Protein change: p.Phe2100Ile; replaces phenylalanine 2100 with isoleucine.
Molecular consequence: missense variant.
Genome position (GRCh38, 1-based): chr7:92,066,514, T>A. VCF-style: chr7-92066514-T-A. GRCh37 (hg19) VCF-style: chr7-91695828-T-A.
Other names: c.943T>A, p.Phe315Ile (NM_001379277.1); c.6298T>A, p.Phe2100Ile (NM_147185.3); short protein forms F2100I, F315I.
Identifiers: ClinVar variation 1752678 (VCV001752678.2), dbSNP rs1308108893, ClinGen allele CA368133366.

ClinVar aggregate classification (germline): Uncertain significance (1 of 4 stars; one submission).

Conditions:
Cardiovascular phenotype. Identifiers: MedGen CN230736.

Allele frequency attached by ClinVar (database versions not stated): gnomAD exomes below 0.00001.
gnomAD v4.1: 2 of 1,613,548 alleles (0.00012%); highest among the groups gnomAD compares: Admixed American, 0.0033%; no homozygotes.

Submission:

Ambry Genetics
Classification: Uncertain significance for Cardiovascular phenotype. Last evaluated: 2022-03-22. Review status: criteria provided, single submitter. Criteria: Ambry Variant Classification Scheme 2023. Collection method: clinical testing. Allele origin: germline.
Comment: The p.F2100I variant (also known as c.6298T>A), located in coding exon 26 of the AKAP9 gene, results from a T to A substitution at nucleotide position 6298. The phenylalanine at codon 2100 is replaced by isoleucine, an amino acid with highly similar properties. This amino acid position is conserved. In addition, this alteration is predicted to be tolerated by in silico analysis. Since supporting evidence is limited at this time, the clinical significance of this alteration remains unclear.